The following is an entry in ClinVar:

ClinVar aggregate classification (germline): Uncertain significance. Review status: criteria provided, multiple submitters, no conflicts (2 of 4 stars). 3 submissions from 3 submitters: Uncertain significance (3). Last evaluated 2025-06-16.

Conditions:
SHORT syndrome. Also called: LIPODYSTROPHY, PARTIAL, WITH RIEGER ANOMALY AND SHORT STATURE; SHORT STATURE, HYPEREXTENSIBILITY, HERNIA, OCULAR DEPRESSION, RIEGER ANOMALY, AND TEETHING DELAY; PIK3R1-Related SHORT Syndrome. Identifiers: Orphanet 3163, MedGen C0878684, MONDO:0010026, OMIM 269880.
Immunodeficiency 36 with lymphoproliferation. Also called: Activated PI3K Delta Syndrome Type 2 (APDS2); Immunodeficiency 36; ACTIVATED PI3K-DELTA SYNDROME 2. Identifiers: Orphanet 397596, Orphanet 693681, MedGen C4014934, MONDO:0014453, OMIM 616005.
Agammaglobulinemia 7, autosomal recessive (AGM7). Also called: AGAMMAGLOBULINEMIA, AUTOSOMAL RECESSIVE, DUE TO PIK3R1 DEFECT. Identifiers: MedGen C3554689, MONDO:0014083, OMIM 615214.

Allele frequency attached by ClinVar (database versions not stated): gnomAD 0.00001; gnomAD exomes 0.00001 and 0.00002; TOPMed 0.00001; ExAC 0.00002.
gnomAD v4.1: 23 of 1,611,930 alleles (0.0014%); highest among the groups gnomAD compares: South Asian, 0.013%; no homozygotes.

Submissions (3):

Labcorp Genetics (formerly Invitae), Labcorp
Classification: Uncertain significance for SHORT syndrome; Immunodeficiency 36 with lymphoproliferation; Agammaglobulinemia 7, autosomal recessive. Last evaluated: 2025-06-16. Review status: criteria provided, single submitter. Criteria: Invitae Variant Classification Sherloc (09022015). Collection method: clinical testing. Allele origin: germline.
Comment: This sequence change replaces threonine, which is neutral and polar, with isoleucine, which is neutral and non-polar, at codon 169 of the PIK3R1 protein (p.Thr169Ile). This variant is present in population databases (rs778443805, gnomAD 0.01%). This variant has not been reported in the literature in individuals affected with PIK3R1-related conditions. ClinVar contains an entry for this variant (Variation ID: 1001869). An algorithm developed to predict the effect of missense changes on protein structure and function (PolyPhen-2) suggests that this variant is likely to be tolerated. In summary, the available evidence is currently insufficient to determine the role of this variant in disease. Therefore, it has been classified as a Variant of Uncertain Significance.

Blueprint Genetics
Classification: Uncertain significance. Last evaluated: 2024-03-26. Review status: criteria provided, single submitter. Criteria: ACMG Guidelines, 2015. Collection method: clinical testing. Allele origin: germline.

Women's Health and Genetics/Laboratory Corporation of America, LabCorp
Classification: Uncertain significance. Last evaluated: 2022-02-15. Review status: criteria provided, single submitter. Criteria: LabCorp Variant Classification Summary - May 2015. Collection method: clinical testing. Allele origin: germline.
Comment: Variant summary: PIK3R1 c.506C>T (p.Thr169Ile) results in a non-conservative amino acid change located in the Rho GTPase-activating protein domain (IPR000198) of the encoded protein sequence. Four of five in-silico tools predict a benign effect of the variant on protein function. The variant allele was found at a frequency of 1.6e-05 in 250844 control chromosomes (gnomAD). The available data on variant occurrences in the general population are insufficient to allow any conclusion about variant significance. To our knowledge, no occurrence of c.506C>T in individuals affected with PIK3R1-Related Disorders and no experimental evidence demonstrating its impact on protein function have been reported. One clinical diagnostic laboratory has submitted clinical-significance assessments for this variant to ClinVar after 2014 and classified the variant as uncertain significance. Based on the evidence outlined above, the variant was classified as uncertain significance.

NM_181523.3(PIK3R1):c.506C>T (p.Thr169Ile)

Gene: PIK3R1 (phosphoinositide-3-kinase regulatory subunit 1; plus strand). Cytogenetic location: 5q13.1.
Variant type: single nucleotide variant.
Coding change: c.506C>T on transcript NM_181523.3 (MANE Select); coding-DNA position 506, C replaced by T.
Protein change: p.Thr169Ile; replaces threonine 169 with isoleucine.
Molecular consequence: missense variant.
Genome position (GRCh38, 1-based): chr5:68,279,605, C>T. VCF-style: chr5-68279605-C-T. GRCh37 (hg19) VCF-style: chr5-67575433-C-T.
Other names: short protein forms T169I.
Identifiers: ClinVar variation 1001869 (VCV001001869.11), dbSNP rs778443805, ClinGen allele CA3290058.